The following is an entry in ClinVar:

NM_182972.3(IRF2BP2):c.130G>A (p.Glu44Lys)

Gene: IRF2BP2 (interferon regulatory factor 2 binding protein 2; minus strand). Cytogenetic location: 1q42.3.
Variant type: single nucleotide variant.
Coding change: c.130G>A on transcript NM_182972.3 (MANE Select); coding-DNA position 130, G replaced by A.
Protein change: p.Glu44Lys; replaces glutamic acid 44 with lysine.
Molecular consequence: missense variant.
Genome position (GRCh38, 1-based): chr1:234,609,365, C>T on the plus strand (G>A on the coding strand, the complement: IRF2BP2 is on the minus strand). VCF-style: chr1-234609365-C-T. GRCh37 (hg19) VCF-style: chr1-234745111-C-T.
Other names: c.130G>A, p.Glu44Lys (NM_001077397.1); short protein forms E44K.
Identifiers: ClinVar variation 2693289 (VCV002693289.3), dbSNP rs2528524146, ClinGen allele CA345311913.

ClinVar aggregate classification (germline): Uncertain significance (1 of 4 stars; one submission).

Submission:

Labcorp Genetics (formerly Invitae), Labcorp
Classification: Uncertain significance. Last evaluated: 2024-09-11. Review status: criteria provided, single submitter. Criteria: Invitae Variant Classification Sherloc (09022015). Collection method: clinical testing. Allele origin: germline.
Comment: This sequence change replaces glutamic acid, which is acidic and polar, with lysine, which is basic and polar, at codon 44 of the IRF2BP2 protein (p.Glu44Lys). This variant is not present in population databases (gnomAD no frequency). This variant has not been reported in the literature in individuals affected with IRF2BP2-related conditions. An algorithm developed to predict the effect of missense changes on protein structure and function (PolyPhen-2) suggests that this variant is likely to be disruptive. In summary, the available evidence is currently insufficient to determine the role of this variant in disease. Therefore, it has been classified as a Variant of Uncertain Significance.